The following is an entry in ClinVar:

NM_001164508.2(NEB):c.8140A>G (p.Asn2714Asp)

Gene: NEB (nebulin; minus strand). Cytogenetic location: 2q23.3.
Variant type: single nucleotide variant.
Coding change: c.8140A>G on transcript NM_001164508.2 (MANE Select); coding-DNA position 8140, A replaced by G.
Protein change: p.Asn2714Asp; replaces asparagine 2714 with aspartic acid.
Molecular consequence: missense variant.
Genome position (GRCh38, 1-based): chr2:151,643,170, T>C on the plus strand (A>G on the coding strand, the complement: NEB is on the minus strand). VCF-style: chr2-151643170-T-C. GRCh37 (hg19) VCF-style: chr2-152499684-T-C.
Other names: c.8140A>G, p.Asn2714Asp (NM_001164507.2, NM_001271208.2, NM_004543.5); short protein forms N2714D.
Identifiers: ClinVar variation 4722612 (VCV004722612.1).

ClinVar aggregate classification (germline): Uncertain significance (1 of 4 stars; one submission).

Conditions:
Nemaline myopathy 2 (NEM2). Also called: Nemaline myopathy 2, autosomal recessive. Identifiers: MedGen C1850569, MONDO:0009725, OMIM 256030.

Submission:

Labcorp Genetics (formerly Invitae), Labcorp
Classification: Uncertain significance for Nemaline myopathy 2. Last evaluated: 2025-07-03. Review status: criteria provided, single submitter. Criteria: Invitae Variant Classification Sherloc (09022015). Collection method: clinical testing. Allele origin: germline.
Comment: This sequence change replaces asparagine, which is neutral and polar, with aspartic acid, which is acidic and polar, at codon 2714 of the NEB protein (p.Asn2714Asp). This variant is not present in population databases (gnomAD no frequency). This variant has not been reported in the literature in individuals affected with NEB-related conditions. Experimental studies and prediction algorithms are not available or were not evaluated, and the functional significance of this variant is currently unknown. In summary, the available evidence is currently insufficient to determine the role of this variant in disease. Therefore, it has been classified as a Variant of Uncertain Significance.